The following is an entry in ClinVar:

ClinVar aggregate classification (germline): Likely pathogenic (1 of 4 stars; one submission).

Submission:

GeneDx
Classification: Likely pathogenic. Last evaluated: 2016-03-03. Review status: criteria provided, single submitter. Criteria: GeneDx Variant Classification (06012015). Collection method: clinical testing. Allele origin: germline. Affected: yes.
Comment: The V2222F variant in the HUWE1 gene has not been reported previously as a pathogenic variant, nor as a benign variant, to our knowledge. The V2222F variant was not observed in approximately 6500 individuals of European and African American ancestry in the NHLBI Exome Sequencing Project, indicating it is not a common benign variant in these populations. This substitution occurs at a position that is conserved across species. The V2222F variant is a semi-conservative amino acid substitution, which may impact secondary protein structure as these residues differ in some properties, and in silico analysis is inconsistent in its predictions as to whether or not the variant is damaging to the protein structure/function. The V2222F variant is a strong candidate for a pathogenic variant, however the possibility it may be a rare benign variant cannot be excluded.

NM_031407.7(HUWE1):c.6664G>T (p.Val2222Phe)

Gene: HUWE1 (HECT, UBA and WWE domain containing E3 ubiquitin protein ligase 1; minus strand). Cytogenetic location: Xp11.22.
Variant type: single nucleotide variant.
Coding change: c.6664G>T on transcript NM_031407.7 (MANE Select); coding-DNA position 6664, G replaced by T.
Protein change: p.Val2222Phe; replaces valine 2222 with phenylalanine.
Molecular consequence: missense variant.
Genome position (GRCh38, 1-based): chrX:53,568,735, C>A on the plus strand (G>T on the coding strand, the complement: HUWE1 is on the minus strand). VCF-style: chrX-53568735-C-A. GRCh37 (hg19) VCF-style: chrX-53595695-C-A.
Other names: short protein forms V2222F.
Identifiers: ClinVar variation 383795 (VCV000383795.2), dbSNP rs1057521730, ClinGen allele CA16609195.
Genomic context (GRCh38, chrX:53,568,735, plus strand): 5'-CTGGGGCATGATTTTACCTGGACAGGTCTAAGCTGTGAGGTACTCTGGCCAGGTCATTAA[C>A]CAGTCCCTTCTTCAGGAAAAGCCGAATGATGTTGTTCATGCCATTGTGCTGGGTCTTCGC-3'
Protein context (NP_113584.3, residues 2212-2232): IIRLFLKKGL[Val2222Phe]NDLARVPHSL